The following is an entry in ClinVar:

NM_198428.3(BBS9):c.1552+5G>T

Gene: BBS9 (Bardet-Biedl syndrome 9; plus strand). Cytogenetic location: 7p14.3.
Variant type: single nucleotide variant.
Coding change: c.1552+5G>T on transcript NM_198428.3 (MANE Select); 5 bases into the intron after coding-DNA position 1552, G replaced by T.
Molecular consequence: intron variant.
Genome position (GRCh38, 1-based): chr7:33,352,878, G>T. VCF-style: chr7-33352878-G-T. GRCh37 (hg19) VCF-style: chr7-33392490-G-T.
Other names: c.1552+5G>T (NM_001348036.1, NM_001362679.1, NM_001348041.4 and 1 more transcripts); c.1279+5G>T (NM_001348038.3); c.1174+5G>T (NM_001348039.3); c.1537+1555G>T (NM_001033605.2); c.1447+5G>T (NM_001033604.2); c.1432+3708G>T (NM_014451.4, NM_001348040.3); c.1186+5G>T (NM_001348037.3, NM_001348045.3, NM_001348046.3); c.1417+5G>T (NM_001348042.3); and 1 more.
Identifiers: ClinVar variation 3010339 (VCV003010339.4), dbSNP rs1818927271, ClinGen allele CA1698724371.

ClinVar aggregate classification (germline): Uncertain significance. Review status: criteria provided, multiple submitters, no conflicts (2 of 4 stars). 2 submissions from 2 submitters: Uncertain significance (2). Last evaluated 2024-05-10.

Conditions:
Bardet-Biedl syndrome (BBS). Identifiers: Orphanet 110, MedGen C0752166, MONDO:0015229.
Bardet-Biedl syndrome 9 (BBS9). Identifiers: Orphanet 110, MedGen C1859567, MONDO:0014437, OMIM 615986.

Allele frequency attached by ClinVar (database versions not stated): gnomAD exomes below 0.00001; TOPMed below 0.00001.
gnomAD v4.1: 1 of 1,611,922 alleles (0.000062%); highest among the groups gnomAD compares: Non-Finnish European, 0.000085%; no homozygotes.

Submissions (2):

Fulgent Genetics
Classification: Uncertain significance for Bardet-Biedl syndrome 9. Last evaluated: 2024-05-10. Review status: criteria provided, single submitter. Criteria: ACMG Guidelines, 2015. Collection method: clinical testing. Allele origin: germline.

Labcorp Genetics (formerly Invitae), Labcorp
Classification: Uncertain significance for Bardet-Biedl syndrome. Last evaluated: 2023-05-26. Review status: criteria provided, single submitter. Criteria: Invitae Variant Classification Sherloc (09022015). Collection method: clinical testing. Allele origin: germline.
Comment: Variants that disrupt the consensus splice site are a relatively common cause of aberrant splicing (PMID: 17576681, 9536098). Algorithms developed to predict the effect of sequence changes on RNA splicing suggest that this variant may disrupt the consensus splice site. This sequence change falls in intron 15 of the BBS9 gene. It does not directly change the encoded amino acid sequence of the BBS9 protein. It affects a nucleotide within the consensus splice site. This variant is not present in population databases (gnomAD no frequency). This variant has not been reported in the literature in individuals affected with BBS9-related conditions. In summary, the available evidence is currently insufficient to determine the role of this variant in disease. Therefore, it has been classified as a Variant of Uncertain Significance.

Literature cited by the submitters: PubMed 17576681 (cited by Labcorp Genetics (formerly Invitae), Labcorp); PubMed 9536098 (cited by Labcorp Genetics (formerly Invitae), Labcorp).